The following is an entry in ClinVar:

ClinVar aggregate classification (germline): Uncertain significance. Review status: criteria provided, multiple submitters, no conflicts (2 of 4 stars). 3 submissions from 3 submitters: Uncertain significance (3). Last evaluated 2022-07-18.

Conditions:
Primary ciliary dyskinesia. Also called: Ciliary dyskinesia. Identifiers: Orphanet 244, MedGen C0008780, MONDO:0016575, HP:0012265.
Primary ciliary dyskinesia 7. Also called: CILIARY DYSKINESIA, PRIMARY, 7, WITH OR WITHOUT SITUS INVERSUS. Identifiers: Orphanet 244, MedGen C2678473, MONDO:0012748, OMIM 611884.

Allele frequency attached by ClinVar (database versions not stated): gnomAD exomes below 0.00001.
gnomAD v4.1: 1 of 1,612,468 alleles (0.000062%); highest among the groups gnomAD compares: Non-Finnish European, 0.000085%; no homozygotes.

Submissions (3):

Labcorp Genetics (formerly Invitae), Labcorp
Classification: Uncertain significance for Primary ciliary dyskinesia. Last evaluated: 2022-07-18. Review status: criteria provided, single submitter. Criteria: Invitae Variant Classification Sherloc (09022015). Collection method: clinical testing. Allele origin: germline.
Comment: This sequence change replaces leucine, which is neutral and non-polar, with serine, which is neutral and polar, at codon 2853 of the DNAH11 protein (p.Leu2853Ser). This variant is not present in population databases (gnomAD no frequency). This missense change has been observed in individual(s) with clinical features of primary ciliary dyskinesia (Invitae). ClinVar contains an entry for this variant (Variation ID: 1509265). Algorithms developed to predict the effect of missense changes on protein structure and function (SIFT, PolyPhen-2, Align-GVGD) all suggest that this variant is likely to be disruptive. In summary, the available evidence is currently insufficient to determine the role of this variant in disease. Therefore, it has been classified as a Variant of Uncertain Significance.

Revvity Omics, Revvity
Classification: Uncertain significance for Primary ciliary dyskinesia 7. Last evaluated: 2022-02-22. Review status: criteria provided, single submitter. Criteria: ACMG Guidelines, 2015. Collection method: clinical testing. Allele origin: germline.

Ambry Genetics
Classification: Uncertain significance for Primary ciliary dyskinesia. Last evaluated: 2016-06-13. Review status: criteria provided, single submitter. Criteria: Ambry Variant Classification Scheme 2023. Collection method: clinical testing. Allele origin: germline.
Comment: The p.L2853S variant (also known as c.8558T>C), located in coding exon 52 of the DNAH11 gene, results from a T to C substitution at nucleotide position 8558. The leucine at codon 2853 is replaced by serine, an amino acid with dissimilar properties. This variant was not reported in population based cohorts in the following databases: Database of Single Nucleotide Polymorphisms (dbSNP), NHLBI Exome Sequencing Project (ESP), and 1000 Genomes Project. In the ESP, this variant was not observed in 6122 samples (12244 alleles) with coverage at this position. This amino acid position is highly conserved in available vertebrate species. In addition, this alteration is predicted to be deleterious by in silico analysis. Since supporting evidence is limited at this time, the clinical significance of this variant remains unclear.

NM_001277115.2(DNAH11):c.8558T>C (p.Leu2853Ser)

Gene: DNAH11 (dynein axonemal heavy chain 11; plus strand). Cytogenetic location: 7p15.3.
Variant type: single nucleotide variant.
Coding change: c.8558T>C on transcript NM_001277115.2 (MANE Select); coding-DNA position 8558, T replaced by C.
Protein change: p.Leu2853Ser; replaces leucine 2853 with serine.
Molecular consequence: missense variant.
Genome position (GRCh38, 1-based): chr7:21,748,627, T>C. VCF-style: chr7-21748627-T-C. GRCh37 (hg19) VCF-style: chr7-21788245-T-C.
Other names: short protein forms L2853S.
Identifiers: ClinVar variation 1509265 (VCV001509265.8), dbSNP rs1053893041, ClinGen allele CA155121273.